The following is an entry in ClinVar:

NM_001378454.1(ALMS1):c.11971A>T (p.Ile3991Leu)

Genes: ALMS1 (ALMS1 centrosome and basal body associated protein; plus strand), LOC126806252 (BRD4-independent group 4 enhancer GRCh37_chr2:73828496-73829695; plus strand). Cytogenetic location: 2p13.1.
Variant type: single nucleotide variant.
Coding change: c.11971A>T on transcript NM_001378454.1 (MANE Select); coding-DNA position 11971, A replaced by T.
Protein change: p.Ile3991Leu; replaces isoleucine 3991 with leucine.
Molecular consequence: missense variant.
Genome position (GRCh38, 1-based): chr2:73,601,293, A>T. VCF-style: chr2-73601293-A-T. GRCh37 (hg19) VCF-style: chr2-73828420-A-T.
Other names: c.11974A>T, p.Ile3992Leu (NM_015120.4); short protein forms I3991L, I3992L.
Identifiers: ClinVar variation 2147124 (VCV002147124.3), dbSNP rs368146962, ClinGen allele CA347266045.
Genomic context (GRCh38, chr2:73,601,293, plus strand): 5'-AGATCAAAGAAGGAAAACGTGCCTAACACTTGTGGCCCTGGCATCTCCTGGTTTGAACCA[A>T]TAACCAAGACCAGACCCTGGAGGGAGCCACTGCGGGAGCAGAACTGTCAGGGGCAGCACC-3'
Protein context (NP_001365383.1, residues 3981-4001): CGPGISWFEP[Ile3991Leu]TKTRPWREPL

ClinVar aggregate classification (germline): Uncertain significance. Review status: criteria provided, multiple submitters, no conflicts (2 of 4 stars). 2 submissions from 2 submitters: Uncertain significance (2). Last evaluated 2023-08-18.

Conditions:
Cardiovascular phenotype. Identifiers: MedGen CN230736.
Alstrom syndrome (ALMS). Identifiers: Orphanet 64, MedGen C0268425, MONDO:0008763, OMIM 203800.

gnomAD v4.1: 14 of 1,614,222 alleles (0.00087%); highest among the groups gnomAD compares: Non-Finnish European, 0.0012%; no homozygotes.

Submissions (2):

Ambry Genetics
Classification: Uncertain significance for Cardiovascular phenotype. Last evaluated: 2023-08-18. Review status: criteria provided, single submitter. Criteria: Ambry Variant Classification Scheme 2023. Collection method: clinical testing. Allele origin: germline.
Comment: The p.I3992L variant (also known as c.11974A>T), located in coding exon 19 of the ALMS1 gene, results from an A to T substitution at nucleotide position 11974. The isoleucine at codon 3992 is replaced by leucine, an amino acid with highly similar properties. This amino acid position is not well conserved in available vertebrate species. In addition, this alteration is predicted to be tolerated by in silico analysis. Since supporting evidence is limited at this time, the clinical significance of this alteration remains unclear.

Labcorp Genetics (formerly Invitae), Labcorp
Classification: Uncertain significance for Alstrom syndrome. Last evaluated: 2021-04-16. Review status: criteria provided, single submitter. Criteria: Invitae Variant Classification Sherloc (09022015). Collection method: clinical testing. Allele origin: germline.
Comment: This sequence change replaces isoleucine with leucine at codon 3992 of the ALMS1 protein (p.Ile3992Leu). The isoleucine residue is moderately conserved and there is a small physicochemical difference between isoleucine and leucine. This variant is not present in population databases (ExAC no frequency). This variant has not been reported in the literature in individuals with ALMS1-related conditions. Experimental studies and prediction algorithms are not available or were not evaluated, and the functional significance of this variant is currently unknown. In summary, the available evidence is currently insufficient to determine the role of this variant in disease. Therefore, it has been classified as a Variant of Uncertain Significance.